The following is an entry in ClinVar:

NM_006662.3(SRCAP):c.5809G>A (p.Gly1937Ser)

Gene: SRCAP (Snf2 related CREBBP activator protein; plus strand). Cytogenetic location: 16p11.2.
Variant type: single nucleotide variant.
Coding change: c.5809G>A on transcript NM_006662.3 (MANE Select); coding-DNA position 5809, G replaced by A.
Protein change: p.Gly1937Ser; replaces glycine 1937 with serine.
Molecular consequence: missense variant.
Genome position (GRCh38, 1-based): chr16:30,729,116, G>A. VCF-style: chr16-30729116-G-A. GRCh37 (hg19) VCF-style: chr16-30740437-G-A.
Other names: short protein forms G1937S.
Identifiers: ClinVar variation 2137803 (VCV002137803.13), dbSNP rs749390013, ClinGen allele CA8012083.

ClinVar aggregate classification (germline): Conflicting classifications of pathogenicity. Review status: criteria provided, conflicting classifications (1 of 4 stars). 3 submissions from 3 submitters: Uncertain significance (2); Likely benign (1). Last evaluated 2025-07-01.

Conditions:
Floating-Harbor syndrome (FLHS). Also called: Short stature with delayed bone age, expressive language delay, a triangular face with a prominent nose and deep-set eyes; Pelletier-Leisti syndrome; SRCAP-Related Floating-Harbor Syndrome. Identifiers: Orphanet 2044, MedGen C0729582, MONDO:0007621, OMIM 136140.
Developmental delay, hypotonia, musculoskeletal defects, and behavioral abnormalities. Identifiers: MedGen C5562012, MONDO:0859202, OMIM 619595.

Allele frequency attached by ClinVar (database versions not stated): gnomAD 0.00001; TOPMed 0.00001; ExAC 0.00002; gnomAD exomes 0.00002.
gnomAD v4.1: 35 of 1,613,990 alleles (0.0022%); highest among the groups gnomAD compares: East Asian, 0.0045%; no homozygotes.

Submissions (3):

CeGaT Center for Human Genetics Tuebingen
Classification: Likely benign. Last evaluated: 2025-07-01. Review status: criteria provided, single submitter. Criteria: CeGaT Center For Human Genetics Tuebingen Variant Classification Criteria Version 2. Collection method: clinical testing. Allele origin: germline. Affected: yes. Observed: 1 variant allele.
Comment: SRCAP: BP4

Fulgent Genetics
Classification: Uncertain significance for Floating-Harbor syndrome; Developmental delay, hypotonia, musculoskeletal defects, and behavioral abnormalities. Last evaluated: 2024-04-16. Review status: criteria provided, single submitter. Criteria: ACMG Guidelines, 2015. Collection method: clinical testing. Allele origin: germline.

Labcorp Genetics (formerly Invitae), Labcorp
Classification: Uncertain significance. Last evaluated: 2023-08-04. Review status: criteria provided, single submitter. Criteria: Invitae Variant Classification Sherloc (09022015). Collection method: clinical testing. Allele origin: germline.
Comment: This sequence change replaces glycine, which is neutral and non-polar, with serine, which is neutral and polar, at codon 1937 of the SRCAP protein (p.Gly1937Ser). This variant is present in population databases (rs749390013, gnomAD 0.007%). This missense change has been observed in individual(s) with clinical features of SRCAP-related conditions (PMID: 31785789). This variant is also known as 16:30740437:G:A. ClinVar contains an entry for this variant (Variation ID: 2137803). Advanced modeling of protein sequence and biophysical properties (such as structural, functional, and spatial information, amino acid conservation, physicochemical variation, residue mobility, and thermodynamic stability) performed at Invitae indicates that this missense variant is not expected to disrupt SRCAP protein function. In summary, the available evidence is currently insufficient to determine the role of this variant in disease. Therefore, it has been classified as a Variant of Uncertain Significance.

Literature cited by the submitters: PubMed 31785789 (cited by Labcorp Genetics (formerly Invitae), Labcorp).